The following is an entry in ClinVar:

ClinVar aggregate classification (germline): Uncertain significance. Review status: criteria provided, multiple submitters, no conflicts (2 of 4 stars). 4 submissions from 4 submitters: Uncertain significance (4). Last evaluated 2023-07-01.

Conditions:
Developmental and epileptic encephalopathy, 69. Also called: EPILEPTIC ENCEPHALOPATHY, EARLY INFANTILE, 69. Identifiers: MedGen C4748988, MONDO:0032657, OMIM 618285.

Allele frequency attached by ClinVar (database versions not stated): gnomAD exomes below 0.00001; ExAC 0.00001.
gnomAD v4.1: 6 of 1,610,920 alleles (0.00037%); highest among the groups gnomAD compares: South Asian, 0.0022%; no homozygotes.

Submissions (4):

CeGaT Center for Human Genetics Tuebingen
Classification: Uncertain significance. Last evaluated: 2023-07-01. Review status: criteria provided, single submitter. Criteria: CeGaT Center For Human Genetics Tuebingen Variant Classification Criteria Version 2. Collection method: clinical testing. Allele origin: germline. Affected: yes. Observed: 1 variant allele.
Comment: CACNA1E: PM2

Genome-Nilou Lab
Classification: Uncertain significance for Developmental and epileptic encephalopathy, 69. Last evaluated: 2023-04-11. Review status: criteria provided, single submitter. Criteria: ACMG Guidelines, 2015. Collection method: clinical testing. Allele origin: germline. Affected: no.

GeneDx
Classification: Uncertain significance. Last evaluated: 2022-02-28. Review status: criteria provided, single submitter. Criteria: GeneDx Variant Classification Process June 2021. Collection method: clinical testing. Allele origin: germline. Affected: yes.
Comment: In silico analysis supports that this missense variant has a deleterious effect on protein structure/function; Has not been previously published as pathogenic or benign to our knowledge

Labcorp Genetics (formerly Invitae), Labcorp
Classification: Uncertain significance. Last evaluated: 2021-12-02. Review status: criteria provided, single submitter. Criteria: Invitae Variant Classification Sherloc (09022015). Collection method: clinical testing. Allele origin: germline.
Comment: This sequence change replaces proline, which is neutral and non-polar, with leucine, which is neutral and non-polar, at codon 2071 of the CACNA1E protein (p.Pro2071Leu). In summary, the available evidence is currently insufficient to determine the role of this variant in disease. Therefore, it has been classified as a Variant of Uncertain Significance. Advanced modeling of protein sequence and biophysical properties (such as structural, functional, and spatial information, amino acid conservation, physicochemical variation, residue mobility, and thermodynamic stability) performed at Invitae indicates that this missense variant is not expected to disrupt CACNA1E protein function. This variant has not been reported in the literature in individuals affected with CACNA1E-related conditions. This variant is present in population databases (rs759886074, gnomAD 0.0009%).

NM_001205293.3(CACNA1E):c.6341C>T (p.Pro2114Leu)

Gene: CACNA1E (calcium voltage-gated channel subunit alpha1 E; plus strand). Cytogenetic location: 1q25.3.
Variant type: single nucleotide variant.
Coding change: c.6341C>T on transcript NM_001205293.3 (MANE Select); coding-DNA position 6341, C replaced by T.
Protein change: p.Pro2114Leu; replaces proline 2114 with leucine.
Molecular consequence: missense variant.
Genome position (GRCh38, 1-based): chr1:181,796,800, C>T. VCF-style: chr1-181796800-C-T. GRCh37 (hg19) VCF-style: chr1-181765936-C-T.
Other names: c.6212C>T, p.Pro2071Leu (NM_000721.4); c.6155C>T, p.Pro2052Leu (NM_001205294.2); short protein forms P2071L, P2114L, P2052L.
Identifiers: ClinVar variation 1522671 (VCV001522671.33), dbSNP rs759886074, ClinGen allele CA1276379.
Genomic context (GRCh38, chr1:181,796,800, plus strand): 5'-CTCCTGATGTCTCCCGCTGCAATTCAGAAGAGCGAGGGACCCAGGCTGACTGGGAGTCCC[C>T]AGAGCGCCGTCAATCCAGGTCACCCAGTGAGGGCAGGTCACAGACGCCCAACAGACAGGT-3'
Protein context (NP_001192222.1, residues 2104-2124): ERGTQADWES[Pro2114Leu]ERRQSRSPSE